The following is an entry in ClinVar:

NM_000101.4(CYBA):c.1A>G (p.Met1Val)

Gene: CYBA (cytochrome b-245 alpha chain; minus strand). Cytogenetic location: 16q24.2.
Variant type: single nucleotide variant.
Coding change: c.1A>G on transcript NM_000101.4 (MANE Select); coding-DNA position 1, A replaced by G.
Protein change: p.Met1Val; changes the start codon (methionine 1).
Molecular consequence: missense variant, initiator codon variant.
Genome position (GRCh38, 1-based): chr16:88,651,013, T>C on the plus strand (A>G on the coding strand, the complement: CYBA is on the minus strand). VCF-style: chr16-88651013-T-C. GRCh37 (hg19) VCF-style: chr16-88717421-T-C.
Other names: c.1A>G (NM_000101.3); short protein forms M1V.
Identifiers: ClinVar variation 4072422 (VCV004072422.4).

ClinVar aggregate classification (germline): Pathogenic/Likely pathogenic. Review status: criteria provided, multiple submitters, no conflicts (2 of 4 stars). 2 submissions from 2 submitters: Pathogenic (1); Likely pathogenic (1). Last evaluated 2025-12-29.

Conditions:
Granulomatous disease, chronic, autosomal recessive, cytochrome b-negative. Also called: CGD DUE TO DEFICIENCY OF THE ALPHA SUBUNIT OF CYTOCHROME b; CGD, AUTOSOMAL RECESSIVE CYTOCHROME b-NEGATIVE; CYBA DEFICIENCY; GRANULOMATOUS DISEASE, CHRONIC, AUTOSOMAL RECESSIVE, 4; Chronic granulomatous disease, autosomal, due to deficiency of CYBA. Identifiers: Orphanet 379, MedGen C1856255, MONDO:0009308, OMIM 233690.
Chronic granulomatous disease. Identifiers: Orphanet 379, MedGen C0018203, MONDO:0018305.

Submissions (2):

Natera, Inc.
Classification: Pathogenic for Chronic granulomatous disease. Last evaluated: 2025-12-29. Review status: criteria provided, single submitter. Criteria: Natera Variant Classification Schema (03/2026). Collection method: clinical testing. Allele origin: germline.
Comment: The c.1A>G variant in CYBA is predicted to result in start loss due to disruption of the initiator methionine. This variant is expected to result in nonsense mediated decay, truncation, or a dysfunctional protein product. This variant is rare in the general population with a frequency below the threshold expected for the associated phenotype(s). This variant has been observed in one or more individuals affected with the associated recessive disease, as either homozygous or compound heterozygous with a second variant (PMID: 30716179). Given the available evidence, this variant is classified as Pathogenic.

Juno Genomics, Hangzhou Juno Genomics, Inc
Classification: Likely pathogenic for Granulomatous disease, chronic, autosomal recessive, cytochrome b-negative. Review status: criteria provided, single submitter. Criteria: ACMG Guidelines, 2015. Collection method: clinical testing. Allele origin: germline. Affected: yes.
Comment: Absent from controls (or at extremely low frequency if recessive) in Genome Aggregation Database, Exome Sequencing Project, 1000 Genomes Project, or Exome Aggregation Consortium.;Null variant in a gene where loss of function (LOF) is a known mechanism of disease.;For recessive disorders, detected in trans with a pathogenic variant.;Patient's phenotype or family history is highly specific for a disease with a single genetic etiology.

Literature cited by the submitters: PubMed 30716179 (cited by Natera, Inc.).